The following is an entry in ClinVar:

ClinVar aggregate classification (germline): Likely pathogenic (1 of 4 stars; one submission).

Conditions:
Retinitis pigmentosa 25 (RP25). Identifiers: Orphanet 791, MedGen C1864446, MONDO:0011272, OMIM 602772.

Submission:

Natera, Inc.
Classification: Likely pathogenic for Retinitis pigmentosa type 25. Last evaluated: 2025-03-10. Review status: criteria provided, single submitter. Criteria: Natera Variant Classification Schema (03/2026). Collection method: clinical testing. Allele origin: germline.
Comment: The c.5287G>T variant in EYS is a nonsense variant predicted to introduce a stop codon at amino acid 1763. This variant is expected to result in nonsense mediated decay, truncation, or a dysfunctional protein product. This variant is rare in the general population with a frequency below the threshold expected for the associated phenotype(s). Given the available evidence, this variant is classified as Likely Pathogenic.

NM_001142800.2(EYS):c.5287G>T (p.Glu1763Ter)

Gene: EYS (EGF-like photoreceptor maintenance factor; minus strand). Cytogenetic location: 6q12.
Variant type: single nucleotide variant.
Coding change: c.5287G>T on transcript NM_001142800.2 (MANE Select); coding-DNA position 5287, G replaced by T.
Protein change: p.Glu1763Ter; replaces glutamic acid 1763 with a stop codon.
Molecular consequence: nonsense.
Genome position (GRCh38, 1-based): chr6:64,590,580, C>A on the plus strand (G>T on the coding strand, the complement: EYS is on the minus strand). VCF-style: chr6-64590580-C-A. GRCh37 (hg19) VCF-style: chr6-65300473-C-A.
Other names: c.5287G>T, p.Glu1763Ter (NM_001292009.2); short protein forms E1763*.
Identifiers: ClinVar variation 4814646 (VCV004814646.1).